The following is an entry in ClinVar:

NM_006231.4(POLE):c.6787C>T (p.Gln2263Ter)

Gene: POLE (DNA polymerase epsilon, catalytic subunit; minus strand). Cytogenetic location: 12q24.33.
Variant type: single nucleotide variant.
Coding change: c.6787C>T on transcript NM_006231.4 (MANE Select); coding-DNA position 6787, C replaced by T.
Protein change: p.Gln2263Ter; replaces glutamine 2263 with a stop codon.
Molecular consequence: nonsense.
Genome position (GRCh38, 1-based): chr12:132,624,771, G>A on the plus strand (C>T on the coding strand, the complement: POLE is on the minus strand). VCF-style: chr12-132624771-G-A. GRCh37 (hg19) VCF-style: chr12-133201357-G-A.
Other names: short protein forms Q2263*.
Identifiers: ClinVar variation 405734 (VCV000405734.13), dbSNP rs1060500830, ClinGen allele CA16613536.

ClinVar aggregate classification (germline): Uncertain significance. Review status: criteria provided, multiple submitters, no conflicts (2 of 4 stars). 2 submissions from 2 submitters: Uncertain significance (2). Last evaluated 2026-01-08.

Conditions:
Hereditary cancer-predisposing syndrome. Also called: Neoplastic Syndromes, Hereditary; Tumor predisposition; Hereditary neoplastic syndrome; Hereditary Cancer Syndrome. Identifiers: Orphanet 140162, MedGen C0027672, MeSH D009386, MONDO:0015356.

Allele frequency attached by ClinVar (database versions not stated): gnomAD exomes below 0.00001.
gnomAD v4.1: 2 of 1,613,578 alleles (0.00012%); highest among the groups gnomAD compares: Non-Finnish European, 0.00017%; no homozygotes.

Submissions (2):

Ambry Genetics
Classification: Uncertain significance for Hereditary cancer-predisposing syndrome. Last evaluated: 2026-01-08. Review status: criteria provided, single submitter. Criteria: Ambry Variant Classification Scheme 2023. Collection method: clinical testing. Allele origin: germline.
Comment: The p.Q2263* variant (also known as c.6787C>T), located in coding exon 49 of the POLE gene, results from a C to T substitution at nucleotide position 6787. This changes the amino acid from a glutamine to a stop codon within coding exon 49. This alteration occurs at the 3' terminus of thePOLE gene, is not expected to trigger nonsense-mediated mRNAdecay, and impacts the last 1% of the protein. The exact functional effect of this alteration is unknown. Based on the available evidence, the clinical significance of this variant remains unclear.

Labcorp Genetics (formerly Invitae), Labcorp
Classification: Uncertain significance. Last evaluated: 2025-11-10. Review status: criteria provided, single submitter. Criteria: Invitae Variant Classification Sherloc (09022015). Collection method: clinical testing. Allele origin: germline.
Comment: This sequence change creates a premature translational stop signal (p.Gln2263*) in the POLE gene. While this is not anticipated to result in nonsense mediated decay, it is expected to disrupt the last 24 amino acid(s) of the POLE protein. This variant is present in population databases (no rsID available, gnomAD 0.0009%). This variant has not been reported in the literature in individuals affected with POLE-related conditions. ClinVar contains an entry for this variant (Variation ID: 405734). Experimental studies and prediction algorithms are not available or were not evaluated, and the functional significance of this variant is currently unknown. In summary, the available evidence is currently insufficient to determine the role of this variant in disease. Therefore, it has been classified as a Variant of Uncertain Significance.